The following is an entry in ClinVar:

NM_004369.4(COL6A3):c.5095A>C (p.Lys1699Gln)

Gene: COL6A3 (collagen type VI alpha 3 chain; minus strand). Cytogenetic location: 2q37.3.
Variant type: single nucleotide variant.
Coding change: c.5095A>C on transcript NM_004369.4 (MANE Select); coding-DNA position 5095, A replaced by C.
Protein change: p.Lys1699Gln; replaces lysine 1699 with glutamine.
Molecular consequence: missense variant.
Genome position (GRCh38, 1-based): chr2:237,367,092, T>G on the plus strand (A>C on the coding strand, the complement: COL6A3 is on the minus strand). VCF-style: chr2-237367092-T-G. GRCh37 (hg19) VCF-style: chr2-238275735-T-G.
Other names: c.3274A>C, p.Lys1092Gln (NM_057166.5); c.4477A>C, p.Lys1493Gln (NM_057167.4); short protein forms K1699Q, K1493Q, K1092Q.
Identifiers: ClinVar variation 595719 (VCV000595719.13), dbSNP rs1311406995, ClinGen allele CA351188869.

ClinVar aggregate classification (germline): Uncertain significance. Review status: criteria provided, multiple submitters, no conflicts (2 of 4 stars). 2 submissions from 2 submitters: Uncertain significance (2). Last evaluated 2025-10-03.

Conditions:
Bethlem myopathy 1A. Also called: Bethlem myopathy 1; MYOPATHY, BENIGN CONGENITAL, WITH CONTRACTURES; Bethlem Muscular Dystrophy. Identifiers: Orphanet 610, MedGen CN029274, MONDO:0024530, OMIM 158810.

Allele frequency attached by ClinVar (database versions not stated): gnomAD 0.00003.

Submissions (2):

Labcorp Genetics (formerly Invitae), Labcorp
Classification: Uncertain significance for Bethlem myopathy 1A. Last evaluated: 2025-10-03. Review status: criteria provided, single submitter. Criteria: Invitae Variant Classification Sherloc (09022015). Collection method: clinical testing. Allele origin: germline.
Comment: This sequence change replaces lysine, which is basic and polar, with glutamine, which is neutral and polar, at codon 1699 of the COL6A3 protein (p.Lys1699Gln). This variant is present in population databases (no rsID available, gnomAD 0.007%). This variant has not been reported in the literature in individuals affected with COL6A3-related conditions. ClinVar contains an entry for this variant (Variation ID: 595719). Invitae Evidence Modeling of protein sequence and biophysical properties (such as structural, functional, and spatial information, amino acid conservation, physicochemical variation, residue mobility, and thermodynamic stability) indicates that this missense variant is expected to disrupt COL6A3 protein function with a positive predictive value of 80%. In summary, the available evidence is currently insufficient to determine the role of this variant in disease. Therefore, it has been classified as a Variant of Uncertain Significance.

Eurofins Ntd Llc (ga)
Classification: Uncertain significance. Last evaluated: 2018-01-11. Review status: criteria provided, single submitter. Criteria: EGL Classification Definitions 2015. Collection method: clinical testing. Allele origin: germline. Observed: 1 variant allele, 1 heterozygote.